The following is an entry in ClinVar:

ClinVar aggregate classification (germline): Uncertain significance (1 of 4 stars; one submission).

Submission:

GeneDx
Classification: Uncertain significance. Last evaluated: 2025-07-14. Review status: criteria provided, single submitter. Criteria: GeneDx Variant Classification Process June 2021. Collection method: clinical testing. Allele origin: germline. Affected: yes.
Comment: Not observed at significant frequency in large population cohorts (gnomAD); In silico analysis supports that this missense variant has a deleterious effect on protein structure/function; In silico analysis supports a deleterious effect on splicing; Has not been previously published as pathogenic or benign to our knowledge

NM_001348323.3(TRIP12):c.4543G>C (p.Asp1515His)

Gene: TRIP12 (thyroid hormone receptor interactor 12; minus strand). Cytogenetic location: 2q36.3.
Variant type: single nucleotide variant.
Coding change: c.4543G>C on transcript NM_001348323.3 (MANE Select); coding-DNA position 4543, G replaced by C.
Protein change: p.Asp1515His; replaces aspartic acid 1515 with histidine.
Molecular consequence: missense variant.
Genome position (GRCh38, 1-based): chr2:229,791,124, C>G on the plus strand (G>C on the coding strand, the complement: TRIP12 is on the minus strand). VCF-style: chr2-229791124-C-G. GRCh37 (hg19) VCF-style: chr2-230655840-C-G.
Other names: c.4462G>C, p.Asp1488His (NM_001284214.2, NM_001348315.2); c.4417G>C, p.Asp1473His (NM_001284215.2, NM_001348316.2); c.3508G>C, p.Asp1170His (NM_001284216.2); c.4402G>C, p.Asp1468His (NM_001348317.1, NM_001348318.2); c.4528G>C, p.Asp1510His (NM_001348319.1, NM_001348320.2); c.4531G>C, p.Asp1511His (NM_001348321.1); c.4543G>C, p.Asp1515His (NM_001348322.1, NM_001348324.2, NM_001348325.2 and 2 more transcripts); c.4546G>C, p.Asp1516His (NM_001348328.1, NM_001348329.2, NM_001348330.2); and 4 more; short protein forms D1170H, D1440H, D1441H, D1468H, D1473H, D1481H, D1488H, D1489H.
Identifiers: ClinVar variation 4686439 (VCV004686439.1).